The following is an entry in ClinVar:

ClinVar aggregate classification (germline): Benign. Review status: criteria provided, multiple submitters, no conflicts (2 of 4 stars). 6 submissions from 6 submitters: Benign (5). 1 of the submissions does not count toward it. Last evaluated 2026-02-04.

Conditions:
Disorders of Intracellular Cobalamin Metabolism. Identifiers: MedGen CN043592.
Methylcobalamin deficiency type cblE (HMAE). Also called: HOMOCYSTINURIA-MEGALOBLASTIC ANEMIA, cblE COMPLEMENTATION TYPE; HOMOCYSTINURIA-MEGALOBLASTIC ANEMIA, cblE TYPE; VITAMIN B12-RESPONSIVE HOMOCYSTINURIA, cblE TYPE. Identifiers: Orphanet 2169, Orphanet 622, MedGen C1856057, MONDO:0009354, OMIM 236270.

Allele frequency attached by ClinVar (database versions not stated): ESP Exome Variant Server 0.02338; gnomAD exomes 0.03721 and 0.05868; gnomAD 0.03856 and 0.04057; TOPMed 0.04121; ExAC 0.05502; 1000 Genomes Project 30x 0.06293; 1000 Genomes Project 0.06450.
gnomAD v4.1: 60,299 of 1,605,388 alleles (3.8%); highest among the groups gnomAD compares: East Asian, 17%; 2,101 homozygotes.

Submissions (6):

Labcorp Genetics (formerly Invitae), Labcorp
Classification: Benign for Methylcobalamin deficiency type cblE. Last evaluated: 2026-02-04. Review status: criteria provided, single submitter. Criteria: Invitae Variant Classification Sherloc (09022015). Collection method: clinical testing. Allele origin: germline.

Mayo Clinic Laboratories, Mayo Clinic
Classification: Benign. Last evaluated: 2021-04-07. Review status: criteria provided, single submitter. Criteria: ACMG Guidelines, 2015. Collection method: clinical testing. Allele origin: germline. Observed: 5 variant alleles.

Illumina Laboratory Services, Illumina
Classification: Benign for Disorders of Intracellular Cobalamin Metabolism. Last evaluated: 2018-01-13. Review status: criteria provided, single submitter. Criteria: ICSL Variant Classification Criteria 13 December 2019. Collection method: clinical testing. Allele origin: germline.
Comment: This variant was observed in the ICSL laboratory as part of a predisposition screen in an ostensibly healthy population. It had not been previously curated by ICSL or reported in the Human Gene Mutation Database (HGMD: prior to June 1st, 2018), and was therefore a candidate for classification through an automated scoring system. Utilizing variant allele frequency, disease prevalence and penetrance estimates, and inheritance mode, an automated score was calculated to assess if this variant is too frequent to cause the disease. Based on the score and internal cut-off values, a variant classified as benign is not then subjected to further curation. The score for this variant resulted in a classification of benign for this disease.

GeneDx
Classification: Benign. Last evaluated: 2014-01-23. Review status: criteria provided, single submitter. Criteria: GeneDx Variant Classification (06012015). Collection method: clinical testing. Allele origin: germline. Affected: yes.
Comment: This variant is considered likely benign or benign based on one or more of the following criteria: it is a conservative change, it occurs at a poorly conserved position in the protein, it is predicted to be benign by multiple in silico algorithms, and/or has population frequency not consistent with disease.

Breakthrough Genomics
Classification: Benign. Review status: criteria provided, single submitter. Criteria: ACMG Guidelines, 2015. Collection method: not provided. Allele origin: germline. Inheritance: Autosomal recessive inheritance. Affected: yes.

Natera, Inc.
Classification: Benign for CblE complementation type homocystinuria-megaloblastic anemia due to defect in cobalamin metabolism. Last evaluated: 2020-09-16. Review status: no assertion criteria provided. Collection method: clinical testing. Allele origin: germline. Not counted in ClinVar's aggregate classification.

NM_002454.3(MTRR):c.1349C>G (p.Pro450Arg)

Gene: MTRR (5-methyltetrahydrofolate-homocysteine methyltransferase reductase; plus strand). Cytogenetic location: 5p15.31.
Variant type: single nucleotide variant.
Coding change: c.1349C>G on transcript NM_002454.3 (MANE Select); coding-DNA position 1349, C replaced by G.
Protein change: p.Pro450Arg; replaces proline 450 with arginine.
Molecular consequence: missense variant. On other transcripts: non-coding transcript variant (14).
Genome position (GRCh38, 1-based): chr5:7,891,393, C>G. VCF-style: chr5-7891393-C-G. GRCh37 (hg19) VCF-style: chr5-7891506-C-G.
Other names: p.P477R:CCC>CGC; p.Pro450Arg; c.1349C>G, p.Pro450Arg (NM_001364440.2, NM_001364441.2, NM_001364442.2 and 1 more transcripts); short protein forms P450R.
Identifiers: ClinVar variation 138294 (VCV000138294.16), dbSNP rs16879334, ClinGen allele CA292223.